The following is an entry in ClinVar:

ClinVar aggregate classification (germline): Uncertain significance (1 of 4 stars; one submission).

Submission:

Labcorp Genetics (formerly Invitae), Labcorp
Classification: Uncertain significance. Last evaluated: 2025-11-23. Review status: criteria provided, single submitter. Criteria: Invitae Variant Classification Sherloc (09022015). Collection method: clinical testing. Allele origin: germline.
Comment: This sequence change creates a premature translational stop signal (p.Asp635Argfs*2) in the ERBIN gene. It is expected to result in an absent or disrupted protein product. However, the current clinical and genetic evidence is not sufficient to establish whether loss-of-function variants in ERBIN cause disease. The frequency data for this variant in the population databases is considered unreliable, as metrics indicate poor data quality at this position in the gnomAD database. This premature translational stop signal has been observed in individual(s) with developmental delay (PMID: 28191889). This variant is also known as c.1897_1903delAAAAAAGinsAAAAAAAG. ClinVar contains an entry for this variant (Variation ID: 1957432). In summary, the available evidence is currently insufficient to determine the role of this variant in disease. Therefore, it has been classified as a Variant of Uncertain Significance.

Literature cited by the submitters: PubMed 28191889.

NM_001253697.2(ERBIN):c.1902dup (p.Asp635fs)

Gene: ERBIN (erbb2 interacting protein; plus strand). Cytogenetic location: 5q12.3.
Variant type: Duplication.
Coding change: c.1902dup on transcript NM_001253697.2 (MANE Select); coding-DNA position 1902, one base duplicated (A; older notation c.1902dupA).
Protein change: p.Asp635fs; shifts the reading frame from aspartic acid 635.
Molecular consequence: frameshift variant.
Genome position (GRCh38, 1-based): chr5:66,048,780, A duplicated; the last of 6 consecutive A bases (chr5:66,048,775-66,048,780); duplicating any one gives the same sequence. VCF-style (leftmost placement, unchanged base first): chr5-66048774-C-CA. GRCh37 (hg19) VCF-style: chr5-65344602-C-CA.
Other names: c.1902dup, p.Asp635fs (NM_001006600.3, NM_001253698.2, NM_001253699.2 and 1 more transcripts); c.1890dup, p.Asp631fs (NM_001253701.2); short protein forms D635fs, D631fs.
Identifiers: ClinVar variation 1957432 (VCV001957432.5), dbSNP rs1221795699, ClinGen allele CA559854902.